The following is an entry in ClinVar:

ClinVar aggregate classification (germline): Benign (1 of 4 stars; one submission).

Conditions:
Maturity-onset diabetes of the young type 7 (MODY7). Identifiers: Orphanet 552, MedGen C1864839, MONDO:0012513, OMIM 610508.

Allele frequency attached by ClinVar (database versions not stated): TOPMed 0.00151; gnomAD 0.00152 and 0.00153; 1000 Genomes Project 30x 0.00172; 1000 Genomes Project 0.00220.

Submission:

Illumina Laboratory Services, Illumina
Classification: Benign for Maturity-onset diabetes of the young type 7. Last evaluated: 2018-01-12. Review status: criteria provided, single submitter. Criteria: ICSL Variant Classification Criteria 13 December 2019. Collection method: clinical testing. Allele origin: germline.
Comment: This variant was observed in the ICSL laboratory as part of a predisposition screen in an ostensibly healthy population. It had not been previously curated by ICSL or reported in the Human Gene Mutation Database (HGMD: prior to June 1st, 2018), and was therefore a candidate for classification through an automated scoring system. Utilizing variant allele frequency, disease prevalence and penetrance estimates, and inheritance mode, an automated score was calculated to assess if this variant is too frequent to cause the disease. Based on the score and internal cut-off values, a variant classified as benign is not then subjected to further curation. The score for this variant resulted in a classification of benign for this disease.

NM_003597.5(KLF11):c.*2026G>C

Gene: KLF11 (KLF transcription factor 11; plus strand). Cytogenetic location: 2p25.1.
Variant type: single nucleotide variant.
Coding change: c.*2026G>C on transcript NM_003597.5 (MANE Select); 2026 bases downstream of the stop codon, G replaced by C.
Molecular consequence: 3 prime UTR variant.
Genome position (GRCh38, 1-based): chr2:10,054,533, G>C. VCF-style: chr2-10054533-G-C. GRCh37 (hg19) VCF-style: chr2-10194660-G-C.
Other names: c.*2026G>C (NM_001177716.2, NM_001177718.2).
Identifiers: ClinVar variation 330676 (VCV000330676.5), dbSNP rs146068438, ClinGen allele CA10610939.